The following is an entry in ClinVar:

NM_001257180.2(SLC20A2):c.1681A>T (p.Lys561Ter)

Gene: SLC20A2 (solute carrier family 20 member 2; minus strand). Cytogenetic location: 8p11.21.
Variant type: single nucleotide variant.
Coding change: c.1681A>T on transcript NM_001257180.2 (MANE Select); coding-DNA position 1681, A replaced by T.
Protein change: p.Lys561Ter; replaces lysine 561 with a stop codon.
Molecular consequence: nonsense.
Genome position (GRCh38, 1-based): chr8:42,430,092, T>A on the plus strand (A>T on the coding strand, the complement: SLC20A2 is on the minus strand). VCF-style: chr8-42430092-T-A. GRCh37 (hg19) VCF-style: chr8-42287610-T-A.
Other names: c.1681A>T, p.Lys561Ter (NM_001257181.2, NM_006749.5); short protein forms K561*.
Identifiers: ClinVar variation 2583065 (VCV002583065.25), dbSNP rs2487096121, ClinGen allele CA371095860.
Genomic context (GRCh38, chr8:42,430,092, plus strand): 5'-CCTGCCCTGCTCGTCCACCAGCCCAGGCTTACCTGGACGGCGTGATGGGAGTGAGGTCCT[T>A]CCCCATGGTCTGGATCACTCTTCTCCCCCAGACCCAGAGGCCTGTGCAGATTCCAACTCC-3'

ClinVar aggregate classification (germline): Pathogenic (1 of 4 stars; one submission).

Submission:

CeGaT Center for Human Genetics Tuebingen
Classification: Pathogenic. Last evaluated: 2023-09-01. Review status: criteria provided, single submitter. Criteria: CeGaT Center For Human Genetics Tuebingen Variant Classification Criteria Version 2. Collection method: clinical testing. Allele origin: germline. Affected: yes. Observed: 1 variant allele.
Comment: SLC20A2: PVS1, PM2